The following is an entry in ClinVar:

NM_018474.6(KIZ):c.343A>G (p.Met115Val)

Gene: KIZ (kizuna centrosomal protein; plus strand). Cytogenetic location: 20p11.23.
Variant type: single nucleotide variant.
Coding change: c.343A>G on transcript NM_018474.6 (MANE Select); coding-DNA position 343, A replaced by G.
Protein change: p.Met115Val; replaces methionine 115 with valine.
Molecular consequence: missense variant. On other transcripts: initiator codon variant (1), intron variant (1).
Genome position (GRCh38, 1-based): chr20:21,145,592, A>G. VCF-style: chr20-21145592-A-G. GRCh37 (hg19) VCF-style: chr20-21126233-A-G.
Other names: c.34A>G, p.Met12Val (NM_001163022.3, NM_001352435.2); c.196A>G, p.Met66Val (NM_001276389.2); c.343A>G, p.Met115Val (NM_001352434.2); c.1A>G, p.Met1Val (NM_001352436.2); c.6+13433A>G (NM_001163023.3); short protein forms M115V, M1V, M12V, M66V.
Identifiers: ClinVar variation 2042127 (VCV002042127.5), dbSNP rs1670739725, ClinGen allele CA408488764.

ClinVar aggregate classification (germline): Uncertain significance (1 of 4 stars; one submission).

Allele frequency attached by ClinVar (database versions not stated): TOPMed below 0.00001.

Submission:

Labcorp Genetics (formerly Invitae), Labcorp
Classification: Uncertain significance. Last evaluated: 2022-05-21. Review status: criteria provided, single submitter. Criteria: Invitae Variant Classification Sherloc (09022015). Collection method: clinical testing. Allele origin: germline.
Comment: In summary, the available evidence is currently insufficient to determine the role of this variant in disease. Therefore, it has been classified as a Variant of Uncertain Significance. Experimental studies and prediction algorithms are not available or were not evaluated, and the functional significance of this variant is currently unknown. This variant has not been reported in the literature in individuals affected with KIZ-related conditions. This variant is not present in population databases (gnomAD no frequency). This sequence change replaces methionine, which is neutral and non-polar, with valine, which is neutral and non-polar, at codon 115 of the KIZ protein (p.Met115Val).